The following is an entry in ClinVar:

NM_138694.4(PKHD1):c.10926G>A (p.Met3642Ile)

Gene: PKHD1 (PKHD1 ciliary IPT domain containing fibrocystin/polyductin; minus strand). Cytogenetic location: 6p12.3.
Variant type: single nucleotide variant.
Coding change: c.10926G>A on transcript NM_138694.4 (MANE Select); coding-DNA position 10926, G replaced by A.
Protein change: p.Met3642Ile; replaces methionine 3642 with isoleucine.
Molecular consequence: missense variant.
Genome position (GRCh38, 1-based): chr6:51,659,200, C>T on the plus strand (G>A on the coding strand, the complement: PKHD1 is on the minus strand). VCF-style: chr6-51659200-C-T. GRCh37 (hg19) VCF-style: chr6-51523998-C-T.
Other names: short protein forms M3642I.
Identifiers: ClinVar variation 167473 (VCV000167473.46), dbSNP rs78518523, ClinGen allele CA234559.
Genomic context (GRCh38, chr6:51,659,200, plus strand): 5'-AATCACTTTTGAGATAGTTTCCACAGTCATTGGGGGTGAAGCCCTATGTGAGTTCATTTC[C>T]ATCATGAGAGGCCTACGTTGACCAACTCTTCTATAATGACTAGTGCAAGTCACAGTAGGG-3'
Protein context (NP_619639.3, residues 3632-3652): RRVGQRRPLM[Met3642Ile]EMNSHRASPP

ClinVar aggregate classification (germline): Conflicting classifications of pathogenicity. Review status: criteria provided, conflicting classifications (1 of 4 stars). 16 submissions from 16 submitters: Uncertain significance (13); Likely benign (1). 2 of the submissions do not count toward it. Last evaluated 2026-08-01.

Conditions:
Polycystic kidney disease 4 (PKD4). Also called: PKD3; POLYCYSTIC KIDNEY DISEASE 4 WITH OR WITHOUT POLYCYSTIC LIVER DISEASE; Autosomal Recessive Polycystic Kidney Disease – PKHD1; POLYCYSTIC KIDNEY AND HEPATIC DISEASE 1; POLYCYSTIC KIDNEY DISEASE, INFANTILE, TYPE I. Identifiers: MedGen C4540575, MONDO:0033004, OMIM 263200.
PKHD1-related disorder. Also called: PKHD1-related condition.
Autosomal recessive polycystic kidney disease (ARPKD). Also called: AR polycystic kidney disease. Identifiers: Orphanet 731, Orphanet 8378, MedGen C0085548, MeSH D017044, MONDO:0009889.

Allele frequency attached by ClinVar (database versions not stated): gnomAD 0.00075 and 0.00076; ESP Exome Variant Server 0.00108; ExAC 0.00071; 1000 Genomes Project 30x 0.00031; gnomAD exomes 0.00068 and 0.00139; TOPMed 0.00088; 1000 Genomes Project 0.00020.
gnomAD v4.1: 2,134 of 1,613,746 alleles (0.13%); highest among the groups gnomAD compares: Non-Finnish European, 0.17%; 1 homozygote.

Submissions (16):

CeGaT Center for Human Genetics Tuebingen
Classification: Uncertain significance. Last evaluated: 2026-08-01. Review status: criteria provided, single submitter. Criteria: CeGaT Center For Human Genetics Tuebingen Variant Classification Criteria Version 2. Collection method: clinical testing. Allele origin: germline. Affected: yes. Observed: 1 variant allele.
Comment: PKHD1: PM5, BP4

PreventionGenetics, part of Exact Sciences
Classification: Uncertain significance for PKHD1-related condition. Last evaluated: 2026-05-22. Review status: criteria provided, single submitter. Criteria: ACMG Guidelines, 2015. Collection method: clinical testing. Allele origin: germline.
Comment: The PKHD1 c.10926G>A variant is predicted to result in the amino acid substitution p.Met3642Ile. This variant was reported in individuals with polycystic kidney disease, but the pathogenicity has not been conclusively established (Sharp et al. 2005. PubMed ID: 15805161; Gunay-Aygun et al. 2010. PubMed ID: 19914852; supplementary table 5, Nicolaou et al. 2016. PubMed ID: 26489027; supplementary data, Rasouly et al. 2019. PubMed ID: 30476936; Adeva et al. 2006. PubMed ID: 16523049). Additionally, this variant is reported in 0.13% of alleles in individuals of European (Non-Finnish) descent in gnomAD, which may be too frequent to be a primary cause of disease. Although we suspect this variant may be benign, at this time, the clinical significance of this variant is uncertain due to the absence of conclusive functional and genetic evidence.

Women's Health and Genetics/Laboratory Corporation of America, LabCorp
Classification: Uncertain significance. Last evaluated: 2026-02-09. Review status: criteria provided, single submitter. Criteria: LabCorp Variant Classification Summary - May 2015. Collection method: clinical testing. Allele origin: germline.
Comment: Variant summary: PKHD1 c.10926G>A (p.Met3642Ile) results in a conservative amino acid change in the encoded protein sequence. Algorithms developed to predict the effect of missense changes on protein structure and function all suggest that this variant is likely to be tolerated. The variant allele was found at a frequency of 0.00068 in 250926 control chromosomes. This frequency is not significantly higher than estimated for disease-causing variants in PKHD1, allowing no conclusion about variant significance. c.10926G>A has been observed in individuals affected with Polycystic Kidney And Hepatic Disease, without strong evidence for causality (e.g. Sharp_2005, Adeva_2006, Gunay-Aygun_2010). These reports do not provide unequivocal conclusions about association of the variant with Polycystic Kidney And Hepatic Disease. To our knowledge, no experimental evidence demonstrating an impact on protein function has been reported. The following publications have been ascertained in the context of this evaluation (PMID: 16523049, 20413436, 15805161). ClinVar contains an entry for this variant (Variation ID: 167473). Based on the evidence outlined above, the variant was classified as uncertain significance.

Labcorp Genetics (formerly Invitae), Labcorp
Classification: Likely benign for Autosomal recessive polycystic kidney disease. Last evaluated: 2026-01-27. Review status: criteria provided, single submitter. Criteria: Invitae Variant Classification Sherloc (09022015). Collection method: clinical testing. Allele origin: germline.

GeneDx
Classification: Uncertain significance. Last evaluated: 2025-11-11. Review status: criteria provided, single submitter. Criteria: GeneDx Variant Classification Process June 2021. Collection method: clinical testing. Allele origin: germline. Affected: yes.
Comment: In silico analysis suggests that this missense variant does not alter protein structure/function; This variant is associated with the following publications: (PMID: 26489027, 16523049, 20981092, 15805161, 20413436, 19914852, 30476936)

Mayo Clinic Laboratories, Mayo Clinic
Classification: Uncertain significance. Last evaluated: 2024-11-08. Review status: criteria provided, single submitter. Criteria: ACMG Guidelines, 2015. Collection method: clinical testing. Allele origin: germline. Observed: 1 variant allele.
Comment: PP4, PM2_supporting

Blueprint Genetics
Classification: Uncertain significance. Last evaluated: 2024-10-02. Review status: criteria provided, single submitter. Criteria: ACMG Guidelines, 2015. Collection method: clinical testing. Allele origin: germline.

Fulgent Genetics
Classification: Uncertain significance for Polycystic kidney disease 4. Last evaluated: 2024-05-24. Review status: criteria provided, single submitter. Criteria: ACMG Guidelines, 2015. Collection method: clinical testing. Allele origin: germline.

Mendelics
Classification: Uncertain significance. Last evaluated: 2022-05-04. Review status: criteria provided, single submitter. Criteria: Mendelics Assertion Criteria 2019. Collection method: clinical testing. Allele origin: germline.

Myriad Genetics, Inc.
Classification: Uncertain significance for Polycystic kidney disease 4. Last evaluated: 2021-11-19. Review status: criteria provided, single submitter. Criteria: Myriad Women's Health Autosomal Recessive and X-Linked Classification Criteria (2021). Collection method: clinical testing. Allele origin: unknown.
Comment: NM_138694.3(PKHD1):c.10926G>A(M3642I) is a missense variant classified as a variant of uncertain significance in the context of autosomal recessive polycystic kidney disease, PKHD1-related. M3642I has been observed in cases with relevant disease (PMID: 19914852, 16523049, 15805161). Functional assessments of this variant are not available in the literature. M3642I has been observed in population frequency databases (gnomAD: NFE 0.13%). In summary, there is insufficient evidence to classify NM_138694.3(PKHD1):c.10926G>A(M3642I) as pathogenic or benign. Please note: this variant was assessed in the context of healthy population screening.

Eurofins Ntd Llc (ga)
Classification: Uncertain significance. Last evaluated: 2018-04-27. Review status: criteria provided, single submitter. Criteria: EGL ClinVar v180209 classification definitions. Collection method: clinical testing. Allele origin: germline. Observed: 12 variant alleles, 12 heterozygotes.

Illumina Laboratory Services, Illumina
Classification: Uncertain significance for Polycystic kidney disease 4. Last evaluated: 2017-04-27. Review status: criteria provided, single submitter. Criteria: ICSL Variant Classification Criteria 13 December 2019. Collection method: clinical testing. Allele origin: germline.
Comment: This variant was observed as part of a predisposition screen in an ostensibly healthy population. A literature search was performed for the gene, cDNA change, and amino acid change (where applicable). Publications were found based on this search. However, the evidence from the literature, in combination with allele frequency data from public databases where available, was not sufficient to rule this variant in or out of causing disease. Therefore, this variant is classified as a variant of unknown significance.

Genetic Services Laboratory, University of Chicago
Classification: Uncertain significance. Last evaluated: 2016-08-23. Review status: criteria provided, single submitter. Criteria: ACMG Guidelines, 2015. Collection method: clinical testing. Allele origin: germline. Affected: no.

Breakthrough Genomics
Classification: Uncertain significance. Review status: criteria provided, single submitter. Criteria: ACMG Guidelines, 2015. Collection method: not provided. Allele origin: germline. Inheritance: Autosomal recessive inheritance. Affected: yes.

Natera, Inc.
Classification: Uncertain significance for Autosomal recessive polycystic kidney disease. Last evaluated: 2017-11-17. Review status: no assertion criteria provided. Collection method: clinical testing. Allele origin: germline. Not counted in ClinVar's aggregate classification.

Department of Pathology and Laboratory Medicine, Sinai Health System
Classification: Uncertain significance. Review status: no assertion criteria provided. Collection method: clinical testing. Allele origin: unknown. Affected: yes. Study: The Canadian Open Genetics Repository (COGR). Not counted in ClinVar's aggregate classification.

Literature cited by the submitters: PubMed 15805161 (cited by 4 submitters); PubMed 20413436 (cited by 3 submitters); PubMed 16523049 (cited by 4 submitters); PubMed 15698423 (cited by Mayo Clinic Laboratories, Mayo Clinic); PubMed 19914852 (cited by 3 submitters).